The following is an entry in ClinVar:

NM_201548.5(CERKL):c.1500T>C (p.Asp500=)

Gene: CERKL (CERK like autophagy regulator; minus strand). Cytogenetic location: 2q31.3.
Variant type: single nucleotide variant.
Coding change: c.1500T>C on transcript NM_201548.5 (MANE Select); coding-DNA position 1500, T replaced by C.
Protein change: p.Asp500=; no amino-acid change (aspartic acid 500 retained).
Molecular consequence: synonymous variant. On other transcripts: non-coding transcript variant (2).
Genome position (GRCh38, 1-based): chr2:181,539,130, A>G on the plus strand (T>C on the coding strand, the complement: CERKL is on the minus strand). VCF-style: chr2-181539130-A-G. GRCh37 (hg19) VCF-style: chr2-182403857-A-G.
Other names: c.1578T>C, p.Asp526= (NM_001030311.3); c.1161T>C, p.Asp387= (NM_001030312.3); c.1293T>C, p.Asp431= (NM_001030313.3); c.1446T>C, p.Asp482= (NM_001160277.2); c.1578T>C (NM_001030311.2).
Identifiers: ClinVar variation 333005 (VCV000333005.14), dbSNP rs141656965, ClinGen allele CA2010409.

ClinVar aggregate classification (germline): Conflicting classifications of pathogenicity. Review status: criteria provided, conflicting classifications (1 of 4 stars). 4 submissions from 4 submitters: Uncertain significance (1); Likely benign (2). 1 of the submissions does not count toward it. Last evaluated 2025-09-02.

Conditions:
CERKL-related disorder. Also called: CERKL-related condition.
Retinitis pigmentosa (RP). Identifiers: Orphanet 791, MedGen C0035334, MeSH D012174, MONDO:0019200, OMIM 268000. Inheritance: Autosomal dominant, autosomal recessive and X linked inheritance.

Allele frequency attached by ClinVar (database versions not stated): gnomAD exomes 0.00006 and 0.00014; ExAC 0.00007; TOPMed 0.00011; gnomAD 0.00012; ESP Exome Variant Server 0.00015.
gnomAD v4.1: 212 of 1,608,248 alleles (0.013%); highest among the groups gnomAD compares: Non-Finnish European, 0.017%; no homozygotes.

Submissions (4):

Labcorp Genetics (formerly Invitae), Labcorp
Classification: Likely benign. Last evaluated: 2025-09-02. Review status: criteria provided, single submitter. Criteria: Invitae Variant Classification Sherloc (09022015). Collection method: clinical testing. Allele origin: germline.

Blueprint Genetics
Classification: Likely benign. Last evaluated: 2023-08-17. Review status: criteria provided, single submitter. Criteria: ACMG Guidelines, 2015. Collection method: clinical testing. Allele origin: germline.

Illumina Laboratory Services, Illumina
Classification: Uncertain significance for Retinitis pigmentosa. Last evaluated: 2018-01-13. Review status: criteria provided, single submitter. Criteria: ICSL Variant Classification Criteria 13 December 2019. Collection method: clinical testing. Allele origin: germline.

PreventionGenetics, part of Exact Sciences
Classification: Likely benign for CERKL-related condition. Last evaluated: 2024-09-10. Review status: no assertion criteria provided. Collection method: clinical testing. Allele origin: germline. Not counted in ClinVar's aggregate classification.
Comment: This variant is classified as likely benign based on ACMG/AMP sequence variant interpretation guidelines (Richards et al. 2015 PMID: 25741868, with internal and published modifications).